The following is an entry in ClinVar:

ClinVar aggregate classification (germline): Benign/Likely benign. Review status: criteria provided, multiple submitters, no conflicts (2 of 4 stars). 24 submissions from 17 submitters: Benign (18); Likely benign (3). 3 of the submissions do not count toward it. Last evaluated 2026-02-04.

Conditions:
Dilated cardiomyopathy 1G (CMD1G). Identifiers: Orphanet 154, MedGen C1858763, MONDO:0011400, OMIM 604145.
Autosomal recessive limb-girdle muscular dystrophy type 2J (LGMDR10). Also called: MUSCULAR DYSTROPHY, LIMB-GIRDLE, AUTOSOMAL RECESSIVE 10; Limb-girdle muscular dystrophy, type 2J. Identifiers: Orphanet 140922, MedGen C1837342, MONDO:0012127, OMIM 608807.
Ventricular tachycardia. Identifiers: MedGen C0042514, MONDO:0005477, HP:0004756.
Cardiomyopathy (CMYO). Also called: Cardiomyopathies. Identifiers: Orphanet 167848, MedGen C0878544, MONDO:0004994, HP:0001638. Inheritance: Various modes of inheritance.
Cardiovascular phenotype. Identifiers: MedGen CN230736.
Early-onset myopathy with fatal cardiomyopathy (CMYO5). Also called: CONGENITAL MYOPATHY 5 WITH CARDIOMYOPATHY; Salih Myopathy. Identifiers: Orphanet 289377, MedGen C2673677, MONDO:0012714, OMIM 611705. Disease mechanism: loss of function.
Myopathy, myofibrillar, 9, with early respiratory failure (MFM9). Also called: Myopathy, distal, with early respiratory failure, autosomal dominant; Hereditary myopathy with early respiratory failure; MYOPATHY, PROXIMAL, WITH EARLY RESPIRATORY MUSCLE INVOLVEMENT; EDSTROM MYOPATHY. Identifiers: Orphanet 178464, Orphanet 34521, MedGen C1863599, MONDO:0011362, OMIM 603689.
Tibial muscular dystrophy (TMD). Also called: Udd Distal Myopathy – Tibial Muscular Dystrophy; Tibial muscular dystrophy, tardive; UDD MYOPATHY. Identifiers: Orphanet 609, MedGen C1838244, MONDO:0010870, OMIM 600334.

Allele frequency attached by ClinVar (database versions not stated): ESP Exome Variant Server 0.00046; gnomAD exomes 0.00195 and 0.00726; TOPMed 0.00462; 1000 Genomes Project 30x 0.00671; 1000 Genomes Project 0.00699; gnomAD 0.00202 and 0.00241; ExAC 0.00634.
gnomAD v4.1: 3,212 of 1,614,036 alleles (0.2%); highest among the groups gnomAD compares: Admixed American, 2.8%; 48 homozygotes.

Submissions (24):

Labcorp Genetics (formerly Invitae), Labcorp
Classification: Benign for Dilated cardiomyopathy 1G; Autosomal recessive limb-girdle muscular dystrophy type 2J. Last evaluated: 2026-02-04. Review status: criteria provided, single submitter. Criteria: Invitae Variant Classification Sherloc (09022015). Collection method: clinical testing. Allele origin: germline.

Molecular Diagnostic Laboratory for Inherited Cardiovascular Disease, Montreal Heart Institute
Classification: Likely benign. Last evaluated: 2025-04-09. Review status: criteria provided, single submitter. Criteria: ACMG Guidelines, 2015. Collection method: clinical testing. Allele origin: germline. Affected: no.

ARUP Laboratories, Molecular Genetics and Genomics, ARUP Laboratories
Classification: Benign. Last evaluated: 2024-07-05. Review status: criteria provided, single submitter. Criteria: ARUP Molecular Germline Variant Investigation Process 2024. Collection method: clinical testing. Allele origin: germline.

Genome-Nilou Lab
Classification: Benign for Autosomal recessive limb-girdle muscular dystrophy type 2J. Last evaluated: 2021-09-10. Review status: criteria provided, single submitter. Criteria: ACMG Guidelines, 2015. Collection method: clinical testing. Allele origin: germline. Affected: no.

Genome-Nilou Lab
Classification: Benign for Myopathy, myofibrillar, 9, with early respiratory failure. Last evaluated: 2021-09-10. Review status: criteria provided, single submitter. Criteria: ACMG Guidelines, 2015. Collection method: clinical testing. Allele origin: germline. Affected: no.

Genome-Nilou Lab
Classification: Benign for Early-onset myopathy with fatal cardiomyopathy. Last evaluated: 2021-09-10. Review status: criteria provided, single submitter. Criteria: ACMG Guidelines, 2015. Collection method: clinical testing. Allele origin: germline. Affected: no.

Genome-Nilou Lab
Classification: Benign for Tibial muscular dystrophy. Last evaluated: 2021-09-10. Review status: criteria provided, single submitter. Criteria: ACMG Guidelines, 2015. Collection method: clinical testing. Allele origin: germline. Affected: no.

Mayo Clinic Laboratories, Mayo Clinic
Classification: Benign. Last evaluated: 2020-04-16. Review status: criteria provided, single submitter. Criteria: ACMG Guidelines, 2015. Collection method: clinical testing. Allele origin: germline. Observed: 14 variant alleles.

Women's Health and Genetics/Laboratory Corporation of America, LabCorp
Classification: Likely benign. Last evaluated: 2020-04-04. Review status: criteria provided, single submitter. Criteria: LabCorp Variant Classification Summary - May 2015. Collection method: clinical testing. Allele origin: germline.

Center for Advanced Laboratory Medicine, UC San Diego Health, University of California San Diego
Classification: Benign for Ventricular tachycardia; Cardiomyopathy. Last evaluated: 2019-03-04. Review status: criteria provided, single submitter. Criteria: ACMG Guidelines, 2015. Collection method: clinical testing. Allele origin: germline. Affected: yes. Observed: 9 variant alleles.

CHEO Genetics Diagnostic Laboratory, Children's Hospital of Eastern Ontario
Classification: Benign for Cardiomyopathy. Last evaluated: 2018-02-22. Review status: criteria provided, single submitter. Criteria: ACMG Guidelines, 2015. Collection method: clinical testing. Allele origin: germline.

Illumina Laboratory Services, Illumina
Classification: Benign for Tibial muscular dystrophy. Last evaluated: 2018-01-13. Review status: criteria provided, single submitter. Criteria: ICSL Variant Classification Criteria 13 December 2019. Collection method: clinical testing. Allele origin: germline.
Comment: This variant was observed in the ICSL laboratory as part of a predisposition screen in an ostensibly healthy population. It had not been previously curated by ICSL or reported in the Human Gene Mutation Database (HGMD: prior to June 1st, 2018), and was therefore a candidate for classification through an automated scoring system. Utilizing variant allele frequency, disease prevalence and penetrance estimates, and inheritance mode, an automated score was calculated to assess if this variant is too frequent to cause the disease. Based on the score and internal cut-off values, a variant classified as benign is not then subjected to further curation. The score for this variant resulted in a classification of benign for this disease.

Illumina Laboratory Services, Illumina
Classification: Benign for Myopathy, myofibrillar, 9, with early respiratory failure. Last evaluated: 2018-01-13. Review status: criteria provided, single submitter. Criteria: ICSL Variant Classification Criteria 13 December 2019. Collection method: clinical testing. Allele origin: germline.
Comment: the same text as in the submission from Illumina Laboratory Services, Illumina above.

Illumina Laboratory Services, Illumina
Classification: Benign for Early-onset myopathy with fatal cardiomyopathy. Last evaluated: 2018-01-13. Review status: criteria provided, single submitter. Criteria: ICSL Variant Classification Criteria 13 December 2019. Collection method: clinical testing. Allele origin: germline.
Comment: the same text as in the submission from Illumina Laboratory Services, Illumina above.

Illumina Laboratory Services, Illumina
Classification: Benign for Autosomal recessive limb-girdle muscular dystrophy type 2J. Last evaluated: 2018-01-13. Review status: criteria provided, single submitter. Criteria: ICSL Variant Classification Criteria 13 December 2019. Collection method: clinical testing. Allele origin: germline.
Comment: the same text as in the submission from Illumina Laboratory Services, Illumina above.

Illumina Laboratory Services, Illumina
Classification: Likely benign for Dilated cardiomyopathy 1G. Last evaluated: 2018-01-13. Review status: criteria provided, single submitter. Criteria: ICSL Variant Classification Criteria 13 December 2019. Collection method: clinical testing. Allele origin: germline.
Comment: This variant was observed in the ICSL laboratory as part of a predisposition screen in an ostensibly healthy population. It had not been previously curated by ICSL or reported in the Human Gene Mutation Database (HGMD: prior to June 1st, 2018), and was therefore a candidate for classification through an automated scoring system. Utilizing variant allele frequency, disease prevalence and penetrance estimates, and inheritance mode, an automated score was calculated to assess if this variant is too frequent to cause the disease. Based on the score and internal cut-off values, a variant classified as likely benign is not then subjected to further curation. The score for this variant resulted in a classification of likely benign for this disease.

Ambry Genetics
Classification: Benign for Cardiovascular phenotype. Last evaluated: 2016-02-15. Review status: criteria provided, single submitter. Criteria: Ambry Variant Classification Scheme 2023. Collection method: clinical testing. Allele origin: germline.

GeneDx
Classification: Benign. Last evaluated: 2014-01-27. Review status: criteria provided, single submitter. Criteria: GeneDx Variant Classification (06012015). Collection method: clinical testing. Allele origin: germline. Affected: yes.
Comment: This variant is considered likely benign or benign based on one or more of the following criteria: it is a conservative change, it occurs at a poorly conserved position in the protein, it is predicted to be benign by multiple in silico algorithms, and/or has population frequency not consistent with disease.

Eurofins Ntd Llc (ga)
Classification: Benign. Last evaluated: 2013-12-04. Review status: criteria provided, single submitter. Criteria: EGL Classification Definitions 2015. Collection method: clinical testing. Allele origin: germline. Observed: 1 variant allele, 1 heterozygote.

Laboratory for Molecular Medicine, Mass General Brigham Personalized Medicine
Classification: Benign. Last evaluated: 2013-11-12. Review status: criteria provided, single submitter. Criteria: LMM Criteria. Collection method: clinical testing. Allele origin: germline. Observed: 12 variant alleles.
Comment: Pro1744Leu in exon 28 of TTN: This variant is not expected to have clinical sign ificance because it has been identified in 7% (9/128) of Mexican chromosomes and 3% (16/572) of Asian chromosomes by the 1000 Genomes project (dbSNP rs75686037) . Pro1744Leu in exon 28 of TTN (rs75686037; allele frequency = 2.8%, 16/572)

PreventionGenetics, part of Exact Sciences
Classification: Benign. Review status: criteria provided, single submitter. Criteria: ACMG Guidelines, 2015. Collection method: clinical testing. Allele origin: germline.

Clinical Genetics DNA and cytogenetics Diagnostics Lab, Erasmus MC, Erasmus Medical Center
Classification: Benign. Review status: no assertion criteria provided. Collection method: clinical testing. Allele origin: germline. Affected: yes. Study: VKGL Data-share Consensus. Not counted in ClinVar's aggregate classification.

Clinical Genetics, Academic Medical Center
Classification: Benign. Review status: no assertion criteria provided. Collection method: clinical testing. Allele origin: germline. Affected: yes. Study: VKGL Data-share Consensus. Not counted in ClinVar's aggregate classification.

Laboratory of Diagnostic Genome Analysis, Leiden University Medical Center (LUMC)
Classification: Benign. Review status: no assertion criteria provided. Collection method: clinical testing. Allele origin: germline. Affected: yes. Study: VKGL Data-share Consensus. Not counted in ClinVar's aggregate classification.

NM_001267550.2(TTN):c.5231C>T (p.Pro1744Leu)

Gene: TTN (titin; minus strand). Cytogenetic location: 2q31.2.
Variant type: single nucleotide variant.
Coding change: c.5231C>T on transcript NM_001267550.2 (MANE Select); coding-DNA position 5231, C replaced by T.
Protein change: p.Pro1744Leu; replaces proline 1744 with leucine.
Molecular consequence: missense variant.
Genome position (GRCh38, 1-based): chr2:178,776,633, G>A on the plus strand (C>T on the coding strand, the complement: TTN is on the minus strand). VCF-style: chr2-178776633-G-A. GRCh37 (hg19) VCF-style: chr2-179641360-G-A.
Other names: p.P1744L:CCA>CTA; c.5231C>T, p.Pro1744Leu (NM_001256850.1, NM_133378.4, NM_133379.5); c.5093C>T, p.Pro1698Leu (NM_003319.4, NM_133432.3, NM_133437.4); short protein forms P1744L, P1698L.
Identifiers: ClinVar variation 47158 (VCV000047158.39), dbSNP rs75686037, ClinGen allele CA283520.
Genomic context (GRCh38, chr2:178,776,633, plus strand): 5'-TAATCAAGGCTGCAGTACCCAAATTCATTGATCATACGGAGCCTGTTGGCTGCTTCAAGT[G>A]GCTTTCCATCATGGAGCCACTCCACCACCATCGTTGGGTCACCAATGGGTGTTAGCCTGC-3'
Protein context (NP_001254479.2, residues 1734-1754): MVVEWLHDGK[Pro1744Leu]LEAANRLRMI